The following is an entry in ClinVar:

NM_000268.4(NF2):c.676-12T>C

Gene: NF2 (NF2, moesin-ezrin-radixin like (MERLIN) tumor suppressor; plus strand). Cytogenetic location: 22q12.2.
Variant type: single nucleotide variant.
Coding change: c.676-12T>C on transcript NM_000268.4 (MANE Select); 12 bases into the intron before coding-DNA position 676, T replaced by C.
Molecular consequence: intron variant.
Genome position (GRCh38, 1-based): chr22:29,661,193, T>C. VCF-style: chr22-29661193-T-C. GRCh37 (hg19) VCF-style: chr22-30057182-T-C.
Other names: c.676-12T>C (NM_016418.5, NM_181832.3, NM_181825.3); c.447+18908T>C (NM_181833.3); c.553-12T>C (NM_181829.3); c.550-12T>C (NM_181828.3); c.427-12T>C (NM_181830.3, NM_181831.3).
Identifiers: ClinVar variation 1631010 (VCV001631010.11), dbSNP rs1273140767, ClinGen allele CA638992636.

ClinVar aggregate classification (germline): Likely benign. Review status: criteria provided, multiple submitters, no conflicts (2 of 4 stars). 3 submissions from 3 submitters: Likely benign (3). Last evaluated 2026-03-31.

Conditions:
Neurofibromatosis, type 2 (SWNV). Also called: SCHWANNOMATOSIS, VESTIBULAR; BILATERAL ACOUSTIC NEUROFIBROMATOSIS; NF2-Related Schwannomatosis. Identifiers: Orphanet 637, MedGen C0027832, MONDO:0007039, OMIM 101000. Disease mechanism: loss of function.

Allele frequency attached by ClinVar (database versions not stated): gnomAD exomes below 0.00001 and 0.00001; gnomAD 0.00002; TOPMed 0.00002.
gnomAD v4.1: 9 of 1,614,076 alleles (0.00056%); highest among the groups gnomAD compares: African/African-American, 0.0013%; no homozygotes.

Submissions (3):

Women's Health and Genetics/Laboratory Corporation of America, LabCorp
Classification: Likely benign. Last evaluated: 2026-03-31. Review status: criteria provided, single submitter. Criteria: LabCorp Variant Classification Summary - May 2015. Collection method: clinical testing. Allele origin: germline.

Labcorp Genetics (formerly Invitae), Labcorp
Classification: Likely benign for Neurofibromatosis, type 2. Last evaluated: 2026-01-18. Review status: criteria provided, single submitter. Criteria: Invitae Variant Classification Sherloc (09022015). Collection method: clinical testing. Allele origin: germline.

All of Us Research Program, National Institutes of Health
Classification: Likely benign for Neurofibromatosis, type 2. Last evaluated: 2024-04-16. Review status: criteria provided, single submitter. Criteria: ACMG Guidelines, 2015. Collection method: clinical testing. Allele origin: germline. Inheritance: Autosomal dominant inheritance. Observed: 4 variant alleles, 4 heterozygotes.
Comment: This study involves interpretation of variants in research participants for the purpose of population health screening. Participant phenotype was not available at the time of variant classification. Additional details can be found in publication PMID: 35346344, PMCID: PMC8962531